The following is an entry in ClinVar:

ClinVar aggregate classification (germline): Conflicting classifications of pathogenicity. Review status: criteria provided, conflicting classifications (1 of 4 stars). 5 submissions from 5 submitters: Pathogenic (1); Likely pathogenic (2); Uncertain significance (2). Last evaluated 2026-01-11.

Conditions:
CYP24A1-related disorders.
Inborn genetic diseases. Identifiers: MedGen C0950123, MeSH D030342.
Hypercalcemia, infantile, 1 (HCINF1). Identifiers: Orphanet 300547, MedGen CN031131, MONDO:0020739, OMIM 143880.

Allele frequency attached by ClinVar (database versions not stated): gnomAD 0.00005; gnomAD exomes 0.00005; ExAC 0.00006; TOPMed 0.00006.

Submissions (5):

Labcorp Genetics (formerly Invitae), Labcorp
Classification: Pathogenic. Last evaluated: 2026-01-11. Review status: criteria provided, single submitter. Criteria: Invitae Variant Classification Sherloc (09022015). Collection method: clinical testing. Allele origin: germline.
Comment: This sequence change replaces proline, which is neutral and non-polar, with leucine, which is neutral and non-polar, at codon 503 of the CYP24A1 protein (p.Pro503Leu). This variant is present in population databases (rs766440228, gnomAD 0.05%). This missense change has been observed in individual(s) with clinical features of CYP24A1-related conditions and/or infantile hypercalcemia (PMID: 27394135; internal data). In at least one individual the data is consistent with being in trans (on the opposite chromosome) from a pathogenic variant. ClinVar contains an entry for this variant (Variation ID: 2138356). Invitae Evidence Modeling of protein sequence and biophysical properties (such as structural, functional, and spatial information, amino acid conservation, physicochemical variation, residue mobility, and thermodynamic stability) indicates that this missense variant is expected to disrupt CYP24A1 protein function with a positive predictive value of 95%. For these reasons, this variant has been classified as Pathogenic.

First Genomix Gene Laboratory, Genetic Diagnostics Department
Classification: Likely pathogenic for Hypercalcemia, infantile, 1. Last evaluated: 2025-07-31. Review status: criteria provided, single submitter. Criteria: ACMG Guidelines, 2015. Collection method: clinical testing. Allele origin: germline. Inheritance: Autosomal recessive inheritance. Affected: no. Observed: 1 variant allele.

Ambry Genetics
Classification: Uncertain significance for Inborn genetic diseases. Last evaluated: 2024-10-25. Review status: criteria provided, single submitter. Criteria: Ambry Variant Classification Scheme 2023. Collection method: clinical testing. Allele origin: germline.
Comment: The c.1508C>T (p.P503L) alteration is located in exon 11 (coding exon 11) of the CYP24A1 gene. This alteration results from a C to T substitution at nucleotide position 1508, causing the proline (P) at amino acid position 503 to be replaced by a leucine (L). Based on data from gnomAD, the T allele has an overall frequency of 0.006% (14/250798) total alleles studied. The highest observed frequency was 0.05% (5/10074) of Ashkenazi Jewish alleles. This variant has been identified in trans with another CYP24A1 variant in an individual with features consistent with CYP24A1-related infantile hypercalcemia (Gigante, 2016). This amino acid position is highly conserved in available vertebrate species. This alteration is predicted to be deleterious by in silico analysis. Based on insufficient or conflicting evidence, the clinical significance of this alteration remains unclear.

Blueprint Genetics
Classification: Likely pathogenic for CYP24A1-related disorders. Last evaluated: 2024-08-07. Review status: criteria provided, single submitter. Criteria: ACMG Guidelines, 2015. Collection method: clinical testing. Allele origin: germline. Affected: yes. Observed: 5 variant alleles.

Fulgent Genetics
Classification: Uncertain significance for Hypercalcemia, infantile, 1. Last evaluated: 2024-01-23. Review status: criteria provided, single submitter. Criteria: ACMG Guidelines, 2015. Collection method: clinical testing. Allele origin: germline.

Literature cited by the submitters: PubMed 27394135 (cited by Labcorp Genetics (formerly Invitae), Labcorp and Ambry Genetics).

NM_000782.5(CYP24A1):c.1508C>T (p.Pro503Leu)

Gene: CYP24A1 (cytochrome P450 family 24 subfamily A member 1; minus strand). Cytogenetic location: 20q13.2.
Variant type: single nucleotide variant.
Coding change: c.1508C>T on transcript NM_000782.5 (MANE Select); coding-DNA position 1508, C replaced by T.
Protein change: p.Pro503Leu; replaces proline 503 with leucine.
Molecular consequence: missense variant.
Genome position (GRCh38, 1-based): chr20:54,157,216, G>A on the plus strand (C>T on the coding strand, the complement: CYP24A1 is on the minus strand). VCF-style: chr20-54157216-G-A. GRCh37 (hg19) VCF-style: chr20-52773755-G-A.
Other names: c.1310C>T, p.Pro437Leu (NM_001128915.2); c.1508C>T (NM_000782.4); short protein forms P437L, P503L.
Identifiers: ClinVar variation 2138356 (VCV002138356.8), dbSNP rs766440228, ClinGen allele CA9915751.
Genomic context (GRCh38, chr20:54,157,216, plus strand): 5'-CCTAGATGCTCACCTGAGGCGTATTATCGCTGGCAAAACGCGATGGGGAGTTCCCGGCTG[G>A]GCACCAGGGTGCCTGAGTGTAGCATCTCAACAGGCTCATTGTCTGTGGCCTGGATGTCGT-3'
Protein context (NP_000773.2, residues 493-513): VEMLHSGTLV[Pro503Leu]SRELPIAFCQ